The following is an entry in ClinVar:

ClinVar aggregate classification (germline): Uncertain significance (1 of 4 stars; one submission).

Conditions:
Hereditary cancer-predisposing syndrome. Also called: Neoplastic Syndromes, Hereditary; Tumor predisposition; Hereditary neoplastic syndrome; Hereditary Cancer Syndrome. Identifiers: Orphanet 140162, MedGen C0027672, MeSH D009386, MONDO:0015356.

Submission:

Ambry Genetics
Classification: Uncertain significance for Hereditary cancer-predisposing syndrome. Last evaluated: 2024-06-20. Review status: criteria provided, single submitter. Criteria: Ambry Variant Classification Scheme 2023. Collection method: clinical testing. Allele origin: germline.
Comment: The c.3285-1G>C intronic variant results from a G to C substitution one nucleotide upstream from coding exon 28 of the TSC2 gene. Alterations that disrupt the canonical splice site are expected to result in aberrant splicing. This nucleotide position is highly conserved in available vertebrate species. In silico splice site analysis predicts that this alteration will weaken the native splice acceptor site and may result in the creation or strengthening of a novel splice acceptor site. One possible resulting transcript is predicted to be in-frame and is not expected to trigger nonsense-mediated mRNA decay. The exact functional effect of the altered amino acid sequence is unknown. RNA studies have demonstrated that this alteration results in a transcript predicted to lead to a protein with an in-frame deletion of two amino acids; however, the exact functional impact of the deleted amino acids is unknown at this time (Ambry internal data). Based on the available evidence, the clinical significance of this variant remains unclear.

NM_000548.5(TSC2):c.3285-1G>C

Gene: TSC2 (TSC complex subunit 2; plus strand). Cytogenetic location: 16p13.3.
Variant type: single nucleotide variant.
Coding change: c.3285-1G>C on transcript NM_000548.5 (MANE Select); the canonical splice acceptor site of the intron before coding-DNA position 3285, G replaced by C.
Molecular consequence: splice acceptor variant.
Genome position (GRCh38, 1-based): chr16:2,079,556, G>C. VCF-style: chr16-2079556-G-C. GRCh37 (hg19) VCF-style: chr16-2129557-G-C.
Other names: c.3285-1G>C (NM_001114382.3); c.3282-1G>C (NM_001406663.1, NM_001406664.1); c.3156-1G>C (NM_021055.3, NM_001370405.1, NM_001363528.2); c.3153-1G>C (NM_001406665.1, NM_001370404.1, NM_001077183.3); c.1812-1G>C (NM_001406694.1, NM_001406693.1, NM_001406690.1 and 1 more transcripts); c.1809-1G>C (NM_001406695.1, NM_001406696.1, NM_001406691.1 and 1 more transcripts); c.3144-1G>C (NM_001406671.1); c.3141-1G>C (NM_001406673.1); and 18 more.
Identifiers: ClinVar variation 3329478 (VCV003329478.1).
Genomic context (GRCh38, chr16:2,079,556, plus strand): 5'-GTGGCACCCTCGTACCAGCCTGGGGACTAAGTCCACCCTGTGCGTGGGATTCTCTTCTCA[G>C]CTCCAGCCCCGGGGTGCATGTGAGACAGACCAAGGAGGCGCCGGCCAAGCTGGAGTCCCA-3'